The following is an entry in ClinVar:

NM_017760.7(NCAPG2):c.2989C>T (p.Arg997Trp)

Gene: NCAPG2 (non-SMC condensin II complex subunit G2; minus strand). Cytogenetic location: 7q36.3.
Variant type: single nucleotide variant.
Coding change: c.2989C>T on transcript NM_017760.7 (MANE Select); coding-DNA position 2989, C replaced by T.
Protein change: p.Arg997Trp; replaces arginine 997 with tryptophan.
Molecular consequence: missense variant. On other transcripts: non-coding transcript variant (1).
Genome position (GRCh38, 1-based): chr7:158,650,918, G>A on the plus strand (C>T on the coding strand, the complement: NCAPG2 is on the minus strand). VCF-style: chr7-158650918-G-A. GRCh37 (hg19) VCF-style: chr7-158443610-G-A.
Other names: c.2989C>T, p.Arg997Trp (NM_001281932.2, NM_001281933.2); short protein forms R997W.
Identifiers: ClinVar variation 3067229 (VCV003067229.21), dbSNP rs200860676, ClinGen allele CA4592398.

ClinVar aggregate classification (germline): Likely benign (1 of 4 stars; one submission).

Allele frequency attached by ClinVar (database versions not stated): TOPMed 0.00019; gnomAD 0.00025; ExAC 0.00037; gnomAD exomes 0.00040; ESP Exome Variant Server 0.00050.
gnomAD v4.1: 612 of 1,613,592 alleles (0.038%); highest among the groups gnomAD compares: Middle Eastern, 0.049%; 1 homozygote.

Submission:

CeGaT Center for Human Genetics Tuebingen
Classification: Likely benign. Last evaluated: 2024-03-01. Review status: criteria provided, single submitter. Criteria: CeGaT Center For Human Genetics Tuebingen Variant Classification Criteria Version 2. Collection method: clinical testing. Allele origin: germline. Affected: yes. Observed: 1 variant allele.
Comment: NCAPG2: BP4, BS2